The following is an entry in ClinVar:

ClinVar aggregate classification (germline): Uncertain significance (0 of 4 stars; one submission).

Conditions:
HERC2-related disorder. Also called: HERC2-related condition.

Allele frequency attached by ClinVar (database versions not stated): gnomAD exomes below 0.00001; gnomAD 0.00001; ExAC 0.00002; TOPMed 0.00002.
gnomAD v4.1: 4 of 1,613,906 alleles (0.00025%); highest among the groups gnomAD compares: African/African-American, 0.0053%; no homozygotes.

Submission:

PreventionGenetics, part of Exact Sciences
Classification: Uncertain significance for HERC2-related condition. Last evaluated: 2023-10-23. Review status: no assertion criteria provided. Collection method: clinical testing. Allele origin: germline.
Comment: The HERC2 c.6686G>C variant is predicted to result in the amino acid substitution p.Gly2229Ala. To our knowledge, this variant has not been reported in the literature. This variant is reported in 0.012% of alleles in individuals of African descent in gnomAD. At this time, the clinical significance of this variant is uncertain due to the absence of conclusive functional and genetic evidence.

NM_004667.6(HERC2):c.6686G>C (p.Gly2229Ala)

Gene: HERC2 (HECT and RLD domain containing E3 ubiquitin protein ligase 2; minus strand). Cytogenetic location: 15q13.1.
Variant type: single nucleotide variant.
Coding change: c.6686G>C on transcript NM_004667.6 (MANE Select); coding-DNA position 6686, G replaced by C.
Protein change: p.Gly2229Ala; replaces glycine 2229 with alanine.
Molecular consequence: missense variant.
Genome position (GRCh38, 1-based): chr15:28,213,842, C>G on the plus strand (G>C on the coding strand, the complement: HERC2 is on the minus strand). VCF-style: chr15-28213842-C-G. GRCh37 (hg19) VCF-style: chr15-28458988-C-G.
Other names: short protein forms G2229A.
Identifiers: ClinVar variation 3038238 (VCV003038238.2), dbSNP rs756711287, ClinGen allele CA7441964.